The following is an entry in ClinVar:

ClinVar aggregate classification (germline): Conflicting classifications of pathogenicity. Review status: criteria provided, conflicting classifications (1 of 4 stars). 2 submissions from 2 submitters: Uncertain significance (1); Benign (1). Last evaluated 2025-05-09.

Conditions:
Hereditary breast ovarian cancer syndrome. Also called: Hereditary breast and ovarian cancer syndrome; Hereditary breast and ovarian cancer; Hereditary breast and ovarian cancer syndrome (HBOC); Breast and ovarian cancer; Hereditary breast and/or ovarian cancer syndrome; BRCA1- and BRCA2-Associated Hereditary Breast and Ovarian Cancer. Identifiers: Orphanet 145, MedGen C0677776, MeSH D061325, MONDO:0003582. Disease mechanism: loss of function.
Hereditary cancer-predisposing syndrome. Also called: Neoplastic Syndromes, Hereditary; Tumor predisposition; Hereditary neoplastic syndrome; Hereditary Cancer Syndrome. Identifiers: Orphanet 140162, MedGen C0027672, MeSH D009386, MONDO:0015356.

Allele frequency attached by ClinVar (database versions not stated): gnomAD exomes below 0.00001.
gnomAD v4.1: 4 of 1,614,144 alleles (0.00025%); highest among the groups gnomAD compares: Non-Finnish European, 0.00034%; no homozygotes.

Submissions (2):

Ambry Genetics
Classification: Benign for Hereditary cancer-predisposing syndrome. Last evaluated: 2025-05-09. Review status: criteria provided, single submitter. Criteria: Ambry Variant Classification Scheme 2023. Collection method: clinical testing. Allele origin: germline.

Labcorp Genetics (formerly Invitae), Labcorp
Classification: Uncertain significance for Hereditary breast ovarian cancer syndrome. Last evaluated: 2020-12-04. Review status: criteria provided, single submitter. Criteria: Invitae Variant Classification Sherloc (09022015). Collection method: clinical testing. Allele origin: germline.
Comment: This sequence change replaces alanine with serine at codon 2711 of the BRCA2 protein (p.Ala2711Ser). The alanine residue is weakly conserved and there is a moderate physicochemical difference between alanine and serine. This variant is not present in population databases (ExAC no frequency). This variant has not been reported in the literature in individuals with BRCA2-related conditions. ClinVar contains an entry for this variant (Variation ID: 827475). Advanced modeling of protein sequence and biophysical properties (such as structural, functional, and spatial information, amino acid conservation, physicochemical variation, residue mobility, and thermodynamic stability) performed at Invitae indicates that this missense variant is not expected to disrupt BRCA2 protein function. In summary, the available evidence is currently insufficient to determine the role of this variant in disease. Therefore, it has been classified as a Variant of Uncertain Significance.

NM_000059.4(BRCA2):c.8131G>T (p.Ala2711Ser)

Gene: BRCA2 (BRCA2 DNA repair associated; plus strand). Cytogenetic location: 13q13.1.
Variant type: single nucleotide variant.
Coding change: c.8131G>T on transcript NM_000059.4 (MANE Select); coding-DNA position 8131, G replaced by T.
Protein change: p.Ala2711Ser; replaces alanine 2711 with serine.
Molecular consequence: missense variant.
Genome position (GRCh38, 1-based): chr13:32,363,333, G>T. VCF-style: chr13-32363333-G-T. GRCh37 (hg19) VCF-style: chr13-32937470-G-T.
Other names: short protein forms A2711S.
Identifiers: ClinVar variation 827475 (VCV000827475.13), dbSNP rs1060502439, ClinGen allele CA387749441.
Genomic context (GRCh38, chr13:32,363,333, plus strand): 5'-TCTGACATAATTTCATTGAGCGCAAATATATCTGAAACTTCTAGCAATAAAACTAGTAGT[G>T]CAGATACCCAAAAAGTGGCCATTATTGAACTTACAGATGGGTGGTATGCTGTTAAGGCCC-3'
Protein context (NP_000050.3, residues 2701-2721): SETSSNKTSS[Ala2711Ser]DTQKVAIIEL